The following is an entry in ClinVar:

NM_198578.4(LRRK2):c.5601T>G (p.Asn1867Lys)

Gene: LRRK2 (leucine rich repeat kinase 2; plus strand). Cytogenetic location: 12q12.
Variant type: single nucleotide variant.
Coding change: c.5601T>G on transcript NM_198578.4 (MANE Select); coding-DNA position 5601, T replaced by G.
Protein change: p.Asn1867Lys; replaces asparagine 1867 with lysine.
Molecular consequence: missense variant.
Genome position (GRCh38, 1-based): chr12:40,323,251, T>G. VCF-style: chr12-40323251-T-G. GRCh37 (hg19) VCF-style: chr12-40717053-T-G.
Other names: short protein forms N1867K.
Identifiers: ClinVar variation 1748580 (VCV001748580.2), dbSNP rs1945452637, ClinGen allele CA384421142.

ClinVar aggregate classification (germline): Uncertain significance (1 of 4 stars; one submission).

Conditions:
Inborn genetic diseases. Identifiers: MedGen C0950123, MeSH D030342.

Allele frequency attached by ClinVar (database versions not stated): gnomAD exomes below 0.00001.
gnomAD v4.1: 3 of 1,613,306 alleles (0.00019%); highest among the groups gnomAD compares: South Asian, 0.0033%; no homozygotes.

Submission:

Ambry Genetics
Classification: Uncertain significance for Inborn genetic diseases. Last evaluated: 2022-09-01. Review status: criteria provided, single submitter. Criteria: Ambry Variant Classification Scheme 2023. Collection method: clinical testing. Allele origin: germline.
Comment: The p.N1867K variant (also known as c.5601T>G), located in coding exon 38 of the LRRK2 gene, results from a T to G substitution at nucleotide position 5601. The asparagine at codon 1867 is replaced by lysine, an amino acid with similar properties. This amino acid position is conserved. In addition, this alteration is predicted to be tolerated by in silico analysis. Since supporting evidence is limited at this time, the clinical significance of this alteration remains unclear.